The following is an entry in ClinVar:

NM_016247.4(IMPG2):c.3490G>T (p.Glu1164Ter)

Gene: IMPG2 (interphotoreceptor matrix proteoglycan 2; minus strand). Cytogenetic location: 3q12.3.
Variant type: single nucleotide variant.
Coding change: c.3490G>T on transcript NM_016247.4 (MANE Select); coding-DNA position 3490, G replaced by T.
Protein change: p.Glu1164Ter; replaces glutamic acid 1164 with a stop codon.
Molecular consequence: nonsense.
Genome position (GRCh38, 1-based): chr3:101,229,523, C>A on the plus strand (G>T on the coding strand, the complement: IMPG2 is on the minus strand). VCF-style: chr3-101229523-C-A. GRCh37 (hg19) VCF-style: chr3-100948367-C-A.
Other names: NC_000003.11:g.100948367C>A; NP_057331.2:p.(Glu1164Ter); short protein forms E1164*.
Identifiers: ClinVar variation 3381799 (VCV003381799.4).
Genomic context (GRCh38, chr3:101,229,523, plus strand): 5'-TGTAGAAGGGATGCTGAGGATAGGGTCCCTCATACTTCTCACATCCAGCCCTGTGACTTT[C>A]ATACACGGGGTTGTACTTCACAGCATTCTCAATAGATGAGAGGCTGTCAGGCTGCCTGCT-3'

ClinVar aggregate classification (germline): Pathogenic/Likely pathogenic. Review status: criteria provided, multiple submitters, no conflicts (2 of 4 stars). 2 submissions from 2 submitters: Pathogenic (1); Likely pathogenic (1). Last evaluated 2024-05-27.

Conditions:
Retinal dystrophy. Also called: Inherited retinal dystrophy. Identifiers: Orphanet 71862, MedGen C0854723, MeSH D058499, MONDO:0019118, HP:0000556.

gnomAD v4.1: 2 of 1,613,966 alleles (0.00012%); highest among the groups gnomAD compares: South Asian, 0.0022%; no homozygotes.

Submissions (2):

Ophthalmic Genetics Group, Institute of Molecular and Clinical Ophthalmology Basel
Classification: Likely pathogenic for Retinal dystrophy. Last evaluated: 2024-05-27. Review status: criteria provided, single submitter. Criteria: ACMG Guidelines, 2015. Collection method: research. Allele origin: germline. Affected: yes. Observed: 1 variant allele.
Comment: This variant was classified as Likely pathogenic based on ACMG criteria: PVS1_very strong and PM2_sup

Labcorp Genetics (formerly Invitae), Labcorp
Classification: Pathogenic. Last evaluated: 2024-03-28. Review status: criteria provided, single submitter. Criteria: Invitae Variant Classification Sherloc (09022015). Collection method: clinical testing. Allele origin: germline.
Comment: This sequence change creates a premature translational stop signal (p.Glu1164*) in the IMPG2 gene. It is expected to result in an absent or disrupted protein product. Loss-of-function variants in IMPG2 are known to be pathogenic (PMID: 20673862). This variant is present in population databases (rs745597530, gnomAD 0.003%). This variant has not been reported in the literature in individuals affected with IMPG2-related conditions. For these reasons, this variant has been classified as Pathogenic.

Literature cited by the submitters: PubMed 40180963 (cited by Ophthalmic Genetics Group, Institute of Molecular and Clinical Ophthalmology Basel); PubMed 20673862 (cited by Labcorp Genetics (formerly Invitae), Labcorp).